The following is an entry in ClinVar:

ClinVar aggregate classification (germline): Uncertain significance (1 of 4 stars; one submission).

Conditions:
Epidermodysplasia verruciformis. Identifiers: Orphanet 302, MedGen C0014522, MONDO:0009176.

Allele frequency attached by ClinVar (database versions not stated): ExAC 0.00002.

Submission:

Labcorp Genetics (formerly Invitae), Labcorp
Classification: Uncertain significance for Epidermodysplasia verruciformis. Last evaluated: 2023-11-04. Review status: criteria provided, single submitter. Criteria: Invitae Variant Classification Sherloc (09022015). Collection method: clinical testing. Allele origin: germline.
Comment: This sequence change replaces proline, which is neutral and non-polar, with leucine, which is neutral and non-polar, at codon 576 of the TMC8 protein (p.Pro576Leu). This variant is present in population databases (rs767967741, gnomAD 0.01%). This variant has not been reported in the literature in individuals affected with TMC8-related conditions. Advanced modeling of protein sequence and biophysical properties (such as structural, functional, and spatial information, amino acid conservation, physicochemical variation, residue mobility, and thermodynamic stability) performed at Invitae indicates that this missense variant is not expected to disrupt TMC8 protein function with a negative predictive value of 80%. In summary, the available evidence is currently insufficient to determine the role of this variant in disease. Therefore, it has been classified as a Variant of Uncertain Significance.

NM_152468.5(TMC8):c.1727C>T (p.Pro576Leu)

Gene: TMC8 (transmembrane channel like 8; plus strand). Cytogenetic location: 17q25.3.
Variant type: single nucleotide variant.
Coding change: c.1727C>T on transcript NM_152468.5 (MANE Select); coding-DNA position 1727, C replaced by T.
Protein change: p.Pro576Leu; replaces proline 576 with leucine.
Molecular consequence: missense variant.
Genome position (GRCh38, 1-based): chr17:78,138,636, C>T. VCF-style: chr17-78138636-C-T. GRCh37 (hg19) VCF-style: chr17-76134717-C-T.
Other names: short protein forms P576L.
Identifiers: ClinVar variation 2907456 (VCV002907456.3), dbSNP rs767967741, ClinGen allele CA8796966.
Genomic context (GRCh38, chr17:78,138,636, plus strand): 5'-TCCACTCCTCCTGGGACTGCGGCCTCTTCACCAACTACTCAGCACCCTGGCAAGTGGTCC[C>T]GGAGCTGGTGGCCCTTGGGCTCCCGCCCATTGGCCAGCGTGCCCTCCACTACCTGGGCTC-3'
Protein context (NP_689681.2, residues 566-586): TNYSAPWQVV[Pro576Leu]ELVALGLPPI